The following is an entry in ClinVar:

NM_145868.2(ANXA11):c.510C>A (p.Tyr170Ter)

Gene: ANXA11 (annexin A11; minus strand). Cytogenetic location: 10q22.3.
Variant type: single nucleotide variant.
Coding change: c.510C>A on transcript NM_145868.2 (MANE Select); coding-DNA position 510, C replaced by A.
Protein change: p.Tyr170Ter; replaces tyrosine 170 with a stop codon.
Molecular consequence: nonsense.
Genome position (GRCh38, 1-based): chr10:80,169,020, G>T on the plus strand (C>A on the coding strand, the complement: ANXA11 is on the minus strand). VCF-style: chr10-80169020-G-T. GRCh37 (hg19) VCF-style: chr10-81928776-G-T.
Other names: c.510C>A, p.Tyr170Ter (NM_001157.3, NM_001278407.2, NM_001278408.2 and 1 more transcripts); c.411C>A, p.Tyr137Ter (NM_001278409.2); short protein forms Y170*, Y137*.
Identifiers: ClinVar variation 1494461 (VCV001494461.6), dbSNP rs1342615649, ClinGen allele CA377368006.

ClinVar aggregate classification (germline): Uncertain significance (1 of 4 stars; one submission).

gnomAD v4.1: 1 of 1,548,384 alleles (0.000065%); highest among the groups gnomAD compares: Non-Finnish European, 0.000087%; no homozygotes.

Submission:

Labcorp Genetics (formerly Invitae), Labcorp
Classification: Uncertain significance. Last evaluated: 2021-10-13. Review status: criteria provided, single submitter. Criteria: Invitae Variant Classification Sherloc (09022015). Collection method: clinical testing. Allele origin: germline.
Comment: In summary, the available evidence is currently insufficient to determine the role of this variant in disease. Therefore, it has been classified as a Variant of Uncertain Significance. This variant has not been reported in the literature in individuals affected with ANXA11-related conditions. This variant is not present in population databases (ExAC no frequency). This sequence change creates a premature translational stop signal (p.Tyr170*) in the ANXA11 gene. It is expected to result in an absent or disrupted protein product. However, the current clinical and genetic evidence is not sufficient to establish whether loss-of-function variants in ANXA11 cause disease.